The following is an entry in ClinVar:

ClinVar aggregate classification (germline): Uncertain significance. Review status: criteria provided, multiple submitters, no conflicts (2 of 4 stars). 2 submissions from 2 submitters: Uncertain significance (2). Last evaluated 2026-08-04.

Conditions:
Asphyxiating thoracic dystrophy 5 (SRTD5). Also called: SHORT-RIB THORACIC DYSPLASIA 5 WITH OR WITHOUT POLYDACTYLY; SHORT-RIB THORACIC DYSPLASIA 5 WITHOUT POLYDACTYLY. Identifiers: Orphanet 474, MedGen C3280598, MONDO:0013717, OMIM 614376.
Senior-Loken syndrome 8 (SLSN8). Identifiers: Orphanet 3156, MedGen C4225376, MONDO:0014579, OMIM 616307.
Inborn genetic diseases. Identifiers: MedGen C0950123, MeSH D030342.

Allele frequency attached by ClinVar (database versions not stated): gnomAD exomes 0.00002 and 0.00003; ExAC 0.00005; TOPMed 0.00001.

Submissions (2):

Ambry Genetics
Classification: Uncertain significance for Inborn genetic diseases. Last evaluated: 2026-08-04. Review status: criteria provided, single submitter. Criteria: Ambry Variant Classification Scheme 2023. Collection method: clinical testing. Allele origin: germline.

Labcorp Genetics (formerly Invitae), Labcorp
Classification: Uncertain significance for Senior-Loken syndrome 8; Asphyxiating thoracic dystrophy 5. Last evaluated: 2019-09-09. Review status: criteria provided, single submitter. Criteria: Invitae Variant Classification Sherloc (09022015). Collection method: clinical testing. Allele origin: germline.
Comment: This variant has not been reported in the literature in individuals with WDR19-related conditions. Algorithms developed to predict the effect of missense changes on protein structure and function are either unavailable or do not agree on the potential impact of this missense change (SIFT: "Deleterious"; PolyPhen-2: "Possibly Damaging"; Align-GVGD: "Class C0"). In summary, the available evidence is currently insufficient to determine the role of this variant in disease. Therefore, it has been classified as a Variant of Uncertain Significance. This variant is present in population databases (rs767154492, ExAC 0.01%). This sequence change replaces glycine with valine at codon 1167 of the WDR19 protein (p.Gly1167Val). The glycine residue is highly conserved and there is a moderate physicochemical difference between glycine and valine.

NM_025132.4(WDR19):c.3500G>T (p.Gly1167Val)

Gene: WDR19 (WD repeat domain 19; plus strand). Cytogenetic location: 4p14.
Variant type: single nucleotide variant.
Coding change: c.3500G>T on transcript NM_025132.4 (MANE Select); coding-DNA position 3500, G replaced by T.
Protein change: p.Gly1167Val; replaces glycine 1167 with valine.
Molecular consequence: missense variant.
Genome position (GRCh38, 1-based): chr4:39,272,996, G>T. VCF-style: chr4-39272996-G-T. GRCh37 (hg19) VCF-style: chr4-39274616-G-T.
Other names: c.3020G>T, p.Gly1007Val (NM_001317924.2); short protein forms G1167V, G1007V.
Identifiers: ClinVar variation 942312 (VCV000942312.11), dbSNP rs767154492, ClinGen allele CA2892399.